The following is an entry in ClinVar:

ClinVar aggregate classification (germline): Conflicting classifications of pathogenicity. Review status: criteria provided, conflicting classifications (1 of 4 stars). 4 submissions from 4 submitters: Uncertain significance (3); Benign (1). Last evaluated 2026-03-24.

Conditions:
Tuberous sclerosis 2 (TSC2). Identifiers: Orphanet 805, MedGen C1860707, MONDO:0013199, OMIM 613254.
Hereditary cancer-predisposing syndrome. Also called: Hereditary neoplastic syndrome; Neoplastic Syndromes, Hereditary; Tumor predisposition; Hereditary Cancer Syndrome. Identifiers: Orphanet 140162, MedGen C0027672, MeSH D009386, MONDO:0015356.
Tuberous sclerosis syndrome (TSC). Also called: Tuberous Sclerosis Complex; Tuberous sclerosis. Identifiers: Orphanet 805, MedGen C0041341, MONDO:0001734.

gnomAD v4.1: 3 of 1,610,048 alleles (0.00019%); highest among the groups gnomAD compares: East Asian, 0.0045%; no homozygotes.

Submissions (4):

GeneDx
Classification: Uncertain significance. Last evaluated: 2026-03-24. Review status: criteria provided, single submitter. Criteria: GeneDx Variant Classification Process June 2021. Collection method: clinical testing. Allele origin: germline.
Comment: In silico analysis supports that this missense variant has a deleterious effect on protein structure/function; Has not been previously published as pathogenic or benign to our knowledge; This variant is associated with the following publications: (PMID: 18466115)

Labcorp Genetics (formerly Invitae), Labcorp
Classification: Benign for Tuberous sclerosis 2. Last evaluated: 2024-11-18. Review status: criteria provided, single submitter. Criteria: Invitae Variant Classification Sherloc (09022015). Collection method: clinical testing. Allele origin: germline.

Ambry Genetics
Classification: Uncertain significance for Hereditary cancer-predisposing syndrome. Last evaluated: 2024-08-01. Review status: criteria provided, single submitter. Criteria: Ambry Variant Classification Scheme 2023. Collection method: clinical testing. Allele origin: germline.
Comment: The p.C253F variant (also known as c.758G>T), located in coding exon 7 of the TSC2 gene, results from a G to T substitution at nucleotide position 758. The cysteine at codon 253 is replaced by phenylalanine, an amino acid with highly dissimilar properties. This amino acid position is highly conserved in available vertebrate species. In addition, this alteration is predicted to be deleterious by in silico analysis. Based on the available evidence, the clinical significance of this variant remains unclear.

All of Us Research Program, National Institutes of Health
Classification: Uncertain significance for Tuberous sclerosis syndrome. Last evaluated: 2023-08-15. Review status: criteria provided, single submitter. Criteria: ACMG Guidelines, 2015. Collection method: clinical testing. Allele origin: germline. Inheritance: Autosomal dominant inheritance. Observed: 1 variant allele, 1 heterozygote.
Comment: This missense variant replaces cysteine with phenylalanine at codon 253 of the TSC2 protein. Computational prediction suggests that this variant may have deleterious impact on protein structure and function (internally defined REVEL score threshold >= 0.7, PMID: 27666373). To our knowledge, functional studies have not been reported for this variant. This variant has not been reported in individuals affected with TSC2-related disorders in the literature. This variant has been identified in 2/248164 chromosomes in the general population by the Genome Aggregation Database (gnomAD). The available evidence is insufficient to determine the role of this variant in disease conclusively. Therefore, this variant is classified as a Variant of Uncertain Significance.

This study involves interpretation of variants in research participants for the purpose of population health screening. Participant phenotype was not available at the time of variant classification. Additional details can be found in publication PMID: 35346344, PMCID: PMC8962531

NM_000548.5(TSC2):c.758G>T (p.Cys253Phe)

Gene: TSC2 (TSC complex subunit 2; plus strand). Cytogenetic location: 16p13.3.
Variant type: single nucleotide variant.
Coding change: c.758G>T on transcript NM_000548.5 (MANE Select); coding-DNA position 758, G replaced by T.
Protein change: p.Cys253Phe; replaces cysteine 253 with phenylalanine.
Molecular consequence: missense variant.
Genome position (GRCh38, 1-based): chr16:2,056,753, G>T. VCF-style: chr16-2056753-G-T. GRCh37 (hg19) VCF-style: chr16-2106754-G-T.
Other names: c.758G>T, p.Cys253Phe (NM_001077183.3, NM_001114382.3, NM_001363528.2 and 3 more transcripts); c.647G>T, p.Cys216Phe (NM_001318827.2); c.611G>T, p.Cys204Phe (NM_001318829.2); c.158G>T, p.Cys53Phe (NM_001318831.2); c.791G>T, p.Cys264Phe (NM_001318832.2); short protein forms C253F, C264F, C216F, C53F, C204F.
Identifiers: ClinVar variation 468180 (VCV000468180.15), dbSNP rs766547457, ClinGen allele CA394312795.